The following is an entry in ClinVar:

NM_016255.3(FAM8A1):c.372C>T (p.Ser124=)

Gene: FAM8A1 (family with sequence similarity 8 member A1; plus strand). Cytogenetic location: 6p22.3.
Variant type: single nucleotide variant.
Coding change: c.372C>T on transcript NM_016255.3 (MANE Select); coding-DNA position 372, C replaced by T.
Protein change: p.Ser124=; no amino-acid change (serine 124 retained).
Molecular consequence: synonymous variant.
Genome position (GRCh38, 1-based): chr6:17,600,781, C>T. VCF-style: chr6-17600781-C-T. GRCh37 (hg19) VCF-style: chr6-17601012-C-T.
Identifiers: ClinVar variation 2656255 (VCV002656255.24), dbSNP rs150990160, ClinGen allele CA3646616.

ClinVar aggregate classification (germline): Likely benign (1 of 4 stars; one submission).

Allele frequency attached by ClinVar (database versions not stated): ESP Exome Variant Server 0.00025; gnomAD exomes 0.00048; gnomAD 0.00055; 1000 Genomes Project 0.00100; ExAC 0.00109; 1000 Genomes Project 30x 0.00141.

Submission:

CeGaT Center for Human Genetics Tuebingen
Classification: Likely benign. Last evaluated: 2023-03-01. Review status: criteria provided, single submitter. Criteria: CeGaT Center For Human Genetics Tuebingen Variant Classification Criteria Version 2. Collection method: clinical testing. Allele origin: germline. Affected: yes. Observed: 1 variant allele.
Comment: FAM8A1: BP4, BP7